The following is an entry in ClinVar:

NM_182746.3(MCM4):c.1684G>A (p.Ala562Thr)

Gene: MCM4 (minichromosome maintenance complex component 4; plus strand). Cytogenetic location: 8q11.21.
Variant type: single nucleotide variant.
Coding change: c.1684G>A on transcript NM_182746.3 (MANE Select); coding-DNA position 1684, G replaced by A.
Protein change: p.Ala562Thr; replaces alanine 562 with threonine.
Molecular consequence: missense variant.
Genome position (GRCh38, 1-based): chr8:47,970,760, G>A. VCF-style: chr8-47970760-G-A. GRCh37 (hg19) VCF-style: chr8-48883320-G-A.
Other names: c.1684G>A, p.Ala562Thr (NM_005914.4); short protein forms A562T.
Identifiers: ClinVar variation 2052964 (VCV002052964.4), dbSNP rs1193545321, ClinGen allele CA371152659.

ClinVar aggregate classification (germline): Uncertain significance (1 of 4 stars; one submission).

Submission:

Labcorp Genetics (formerly Invitae), Labcorp
Classification: Uncertain significance. Last evaluated: 2021-12-22. Review status: criteria provided, single submitter. Criteria: Invitae Variant Classification Sherloc (09022015). Collection method: clinical testing. Allele origin: germline.
Comment: This variant has not been reported in the literature in individuals affected with MCM4-related conditions. This variant is not present in population databases (gnomAD no frequency). This sequence change replaces alanine, which is neutral and non-polar, with threonine, which is neutral and polar, at codon 562 of the MCM4 protein (p.Ala562Thr). Algorithms developed to predict the effect of missense changes on protein structure and function are either unavailable or do not agree on the potential impact of this missense change (SIFT: "Deleterious"; PolyPhen-2: "Probably Damaging"; Align-GVGD: "Class C0"). In summary, the available evidence is currently insufficient to determine the role of this variant in disease. Therefore, it has been classified as a Variant of Uncertain Significance.